The following is an entry in ClinVar:

ClinVar aggregate classification (germline): Benign. Review status: criteria provided, multiple submitters, no conflicts (2 of 4 stars). 3 submissions from 3 submitters: Benign (3). Last evaluated 2019-01-10.

Conditions:
Fanconi anemia complementation group A (FANCA). Also called: Fanconi anemia, group A; FANCA-Related Fanconi Anemia. Identifiers: Orphanet 84, MedGen C3469521, MONDO:0009215, OMIM 227650.

Allele frequency attached by ClinVar (database versions not stated): TOPMed 0.55245; 1000 Genomes Project 30x 0.69644; 1000 Genomes Project 0.69768.
gnomAD v4.1: 633,368 of 1,382,850 alleles (46%); highest among the groups gnomAD compares: East Asian, 98%; 158,134 homozygotes.

Submissions (3):

GeneDx
Classification: Benign. Last evaluated: 2019-01-10. Review status: criteria provided, single submitter. Criteria: GeneDx Variant Classification Process June 2021. Collection method: clinical testing. Allele origin: germline. Affected: yes.

Illumina Laboratory Services, Illumina
Classification: Benign for Fanconi anemia complementation group A. Last evaluated: 2018-01-13. Review status: criteria provided, single submitter. Criteria: ICSL Variant Classification Criteria 13 December 2019. Collection method: clinical testing. Allele origin: germline.
Comment: This variant was observed in the ICSL laboratory as part of a predisposition screen in an ostensibly healthy population. It had not been previously curated by ICSL or reported in the Human Gene Mutation Database (HGMD: prior to June 1st, 2018), and was therefore a candidate for classification through an automated scoring system. Utilizing variant allele frequency, disease prevalence and penetrance estimates, and inheritance mode, an automated score was calculated to assess if this variant is too frequent to cause the disease. Based on the score and internal cut-off values, a variant classified as benign is not then subjected to further curation. The score for this variant resulted in a classification of benign for this disease.

Breakthrough Genomics
Classification: Benign. Review status: criteria provided, single submitter. Criteria: ACMG Guidelines, 2015. Collection method: not provided. Allele origin: germline. Inheritance: Autosomal recessive inheritance. Affected: yes.

NM_000135.4(FANCA):c.*154G>A

Genes: ZNF276 (zinc finger protein 276; plus strand), FANCA (FA complementation group A; minus strand). Cytogenetic location: 16q24.3.
Variant type: single nucleotide variant.
Coding change: c.*154G>A on transcript NM_000135.4 (MANE Select); 154 bases downstream of the stop codon, G replaced by A.
Molecular consequence: 3 prime UTR variant. On other transcripts: non-coding transcript variant (4).
Genome position (GRCh38, 1-based): chr16:89,738,447, C>T on the plus strand (G>A on the coding strand, the complement: FANCA is on the minus strand). VCF-style: chr16-89738447-C-T. GRCh37 (hg19) VCF-style: chr16-89804855-C-T.
Other names: c.*251G>A (NM_001286167.3); c.*201C>T (NM_001113525.2, NM_152287.4).
Identifiers: ClinVar variation 321323 (VCV000321323.7), dbSNP rs1230, ClinGen allele CA10649307.